The following is an entry in ClinVar:

ClinVar aggregate classification (germline): Uncertain significance. Review status: criteria provided, multiple submitters, no conflicts (2 of 4 stars). 2 submissions from 2 submitters: Uncertain significance (2). Last evaluated 2023-11-27.

Conditions:
Inborn genetic diseases. Identifiers: MedGen C0950123, MeSH D030342.

Allele frequency attached by ClinVar (database versions not stated): gnomAD exomes below 0.00001; gnomAD 0.00001; TOPMed 0.00002; ESP Exome Variant Server 0.00008.
gnomAD v4.1: 7 of 1,613,842 alleles (0.00043%); highest among the groups gnomAD compares: Non-Finnish European, 0.00059%; no homozygotes.

Submissions (2):

Labcorp Genetics (formerly Invitae), Labcorp
Classification: Uncertain significance. Last evaluated: 2023-11-27. Review status: criteria provided, single submitter. Criteria: Invitae Variant Classification Sherloc (09022015). Collection method: clinical testing. Allele origin: germline.
Comment: This sequence change replaces aspartic acid, which is acidic and polar, with asparagine, which is neutral and polar, at codon 2885 of the PCLO protein (p.Asp2885Asn). This variant is not present in population databases (gnomAD no frequency). This variant has not been reported in the literature in individuals affected with PCLO-related conditions. ClinVar contains an entry for this variant (Variation ID: 1954604). Experimental studies and prediction algorithms are not available or were not evaluated, and the functional significance of this variant is currently unknown. In summary, the available evidence is currently insufficient to determine the role of this variant in disease. Therefore, it has been classified as a Variant of Uncertain Significance.

Ambry Genetics
Classification: Uncertain significance for Inborn genetic diseases. Last evaluated: 2021-08-23. Review status: criteria provided, single submitter. Criteria: Ambry Variant Classification Scheme 2023. Collection method: clinical testing. Allele origin: germline.

NM_033026.6(PCLO):c.8653G>A (p.Asp2885Asn)

Gene: PCLO (piccolo presynaptic cytomatrix protein; minus strand). Cytogenetic location: 7q21.11.
Variant type: single nucleotide variant.
Coding change: c.8653G>A on transcript NM_033026.6 (MANE Select); coding-DNA position 8653, G replaced by A.
Protein change: p.Asp2885Asn; replaces aspartic acid 2885 with asparagine.
Molecular consequence: missense variant.
Genome position (GRCh38, 1-based): chr7:82,952,300, C>T on the plus strand (G>A on the coding strand, the complement: PCLO is on the minus strand). VCF-style: chr7-82952300-C-T. GRCh37 (hg19) VCF-style: chr7-82581616-C-T.
Other names: c.8653G>A, p.Asp2885Asn (NM_014510.3); short protein forms D2885N.
Identifiers: ClinVar variation 1954604 (VCV001954604.4), dbSNP rs375308935, ClinGen allele CA161145096.